The following is an entry in ClinVar:

NM_005271.5(GLUD1):c.880G>C (p.Gly294Arg)

Gene: GLUD1 (glutamate dehydrogenase 1; minus strand). Cytogenetic location: 10q23.2.
Variant type: single nucleotide variant.
Coding change: c.880G>C on transcript NM_005271.5 (MANE Select); coding-DNA position 880, G replaced by C.
Protein change: p.Gly294Arg; replaces glycine 294 with arginine.
Molecular consequence: missense variant.
Genome position (GRCh38, 1-based): chr10:87,062,697, C>G on the plus strand (G>C on the coding strand, the complement: GLUD1 is on the minus strand). VCF-style: chr10-87062697-C-G. GRCh37 (hg19) VCF-style: chr10-88822454-C-G.
Other names: c.481G>C, p.Gly161Arg (NM_001318900.1); c.379G>C, p.Gly127Arg (NM_001318901.1, NM_001318902.1, NM_001318904.2 and 2 more transcripts); short protein forms G127R, G161R, G294R.
Identifiers: ClinVar variation 1809968 (VCV001809968.1), dbSNP rs1369724505, ClinGen allele CA377468441.

ClinVar aggregate classification (germline): Uncertain significance (1 of 4 stars; one submission).

Allele frequency attached by ClinVar (database versions not stated): gnomAD 0.00002.
gnomAD v4.1: 3 of 1,613,918 alleles (0.00019%); highest among the groups gnomAD compares: African/African-American, 0.004%; no homozygotes.

Submission:

GeneDx
Classification: Uncertain significance. Last evaluated: 2022-07-01. Review status: criteria provided, single submitter. Criteria: GeneDx Variant Classification Process June 2021. Collection method: clinical testing. Allele origin: germline. Affected: yes.
Comment: Not observed at significant frequency in large population cohorts (gnomAD); In silico analysis supports that this missense variant has a deleterious effect on protein structure/function; Has not been previously published as pathogenic or benign to our knowledge